The following is an entry in ClinVar:

ClinVar aggregate classification (germline): Uncertain significance (1 of 4 stars; one submission).

Conditions:
Inborn genetic diseases. Identifiers: MedGen C0950123, MeSH D030342.

Submission:

Ambry Genetics
Classification: Uncertain significance for Inborn genetic diseases. Last evaluated: 2025-06-19. Review status: criteria provided, single submitter. Criteria: Ambry Variant Classification Scheme 2023. Collection method: clinical testing. Allele origin: germline.
Comment: The p.E1657V variant (also known as c.4970A>T), located in coding exon 33 of the ANKRD26 gene, results from an A to T substitution at nucleotide position 4970. The glutamic acid at codon 1657 is replaced by valine, an amino acid with dissimilar properties. This amino acid position is conserved. In addition, this alteration is predicted to be tolerated by in silico analysis. Based on the available evidence, the clinical significance of this variant remains unclear.

NM_014915.3(ANKRD26):c.4970A>T (p.Glu1657Val)

Gene: ANKRD26 (ankyrin repeat domain containing 26; minus strand). Cytogenetic location: 10p12.1.
Variant type: single nucleotide variant.
Coding change: c.4970A>T on transcript NM_014915.3 (MANE Select); coding-DNA position 4970, A replaced by T.
Protein change: p.Glu1657Val; replaces glutamic acid 1657 with valine.
Molecular consequence: missense variant.
Genome position (GRCh38, 1-based): chr10:27,006,946, T>A on the plus strand (A>T on the coding strand, the complement: ANKRD26 is on the minus strand). VCF-style: chr10-27006946-T-A. GRCh37 (hg19) VCF-style: chr10-27295875-T-A.
Other names: c.4967A>T, p.Glu1656Val (NM_001256053.2); short protein forms E1656V, E1657V.
Identifiers: ClinVar variation 4102776 (VCV004102776.1).